The following is an entry in ClinVar:

ClinVar aggregate classification (germline): Pathogenic (1 of 4 stars; one submission).

Conditions:
Bloom syndrome (BLM). Also called: Bloom-Torre-Machacek syndrome. Identifiers: Orphanet 125, MedGen C0005859, MONDO:0008876, OMIM 210900.

Submission:

Labcorp Genetics (formerly Invitae), Labcorp
Classification: Pathogenic for Bloom syndrome. Last evaluated: 2023-11-24. Review status: criteria provided, single submitter. Criteria: Invitae Variant Classification Sherloc (09022015). Collection method: clinical testing. Allele origin: germline.
Comment: This sequence change creates a premature translational stop signal (p.Arg775Thrfs*10) in the BLM gene. It is expected to result in an absent or disrupted protein product. Loss-of-function variants in BLM are known to be pathogenic (PMID: 17407155). This variant is not present in population databases (gnomAD no frequency). This variant has not been reported in the literature in individuals affected with BLM-related conditions. For these reasons, this variant has been classified as Pathogenic.

Literature cited by the submitters: PubMed 17407155.

NM_000057.4(BLM):c.2324_2325del (p.Arg775fs)

Gene: BLM (BLM RecQ like helicase; plus strand). Cytogenetic location: 15q26.1.
Variant type: Deletion.
Coding change: c.2324_2325del on transcript NM_000057.4 (MANE Select); coding-DNA positions 2324 to 2325, 2 bases deleted (GA; older notation c.2324_2325delGA).
Protein change: p.Arg775fs; shifts the reading frame from arginine 775.
Molecular consequence: frameshift variant.
Genome position (GRCh38, 1-based): chr15:90,769,149-90,769,150, GA deleted; deleting any 2 consecutive bases within chr15:90,769,148-90,769,150 gives the same sequence; the c. name uses the placement nearest the transcript's 3' end. VCF-style (leftmost placement, unchanged base first): chr15-90769147-CAG-C. GRCh37 (hg19) VCF-style: chr15-91312377-CAG-C.
Other names: c.2324_2325del, p.Arg775fs (NM_001287246.2, NM_001287247.2); c.1199_1200del, p.Arg400fs (NM_001287248.2); short protein forms R400fs, R775fs.
Identifiers: ClinVar variation 2698360 (VCV002698360.3), dbSNP rs2505454170, ClinGen allele CA2697549384.